The following is an entry in ClinVar:

ClinVar aggregate classification (germline): Conflicting classifications of pathogenicity. Review status: criteria provided, conflicting classifications (1 of 4 stars). 2 submissions from 2 submitters: Likely pathogenic (1); Uncertain significance (1). Last evaluated 2025-08-01.

Conditions:
Niemann-Pick disease, type A. Also called: Infantile Neurovisceral ASMD (Niemann-Pick Disease Type A; NPD-A); SPHINGOMYELIN LIPIDOSIS; SPHINGOMYELINASE DEFICIENCY. Identifiers: Orphanet 77292, MedGen C0268242, MONDO:0009756, OMIM 257200. Disease mechanism: loss of function.
Niemann-Pick disease, type B. Also called: Chronic Visceral ASMD (Niemann-Pick Disease Type B; NPD-B). Identifiers: Orphanet 77293, MedGen C0268243, MONDO:0011871, OMIM 607616. Disease mechanism: loss of function.

Submissions (2):

Women's Health and Genetics/Laboratory Corporation of America, LabCorp
Classification: Uncertain significance. Last evaluated: 2025-08-01. Review status: criteria provided, single submitter. Criteria: LabCorp Variant Classification Summary - May 2015. Collection method: clinical testing. Allele origin: germline.
Comment: Variant summary: SMPD1 c.910C>T (p.Leu304Phe) results in a non-conservative amino acid change located in the Acid sphingomyelinase (ASMase) domain (IPR041805) of the encoded protein sequence. Algorithms developed to predict the effect of missense changes on protein structure and function all suggest that this variant is likely to be disruptive. The variant was absent in 251474 control chromosomes. The available data on variant occurrences in the general population are insufficient to allow any conclusion about variant significance. To our knowledge, no occurrence of c.910C>T in individuals affected with Niemann-Pick Disease and no experimental evidence demonstrating its impact on protein function have been reported. ClinVar contains an entry for this variant (Variation ID: 1067199). Based on the evidence outlined above, the variant was classified as uncertain significance.

Labcorp Genetics (formerly Invitae), Labcorp
Classification: Likely pathogenic for Niemann-Pick disease, type B; Niemann-Pick disease, type A. Last evaluated: 2024-02-14. Review status: criteria provided, single submitter. Criteria: Invitae Variant Classification Sherloc (09022015). Collection method: clinical testing. Allele origin: germline.
Comment: This sequence change replaces leucine, which is neutral and non-polar, with phenylalanine, which is neutral and non-polar, at codon 304 of the SMPD1 protein (p.Leu304Phe). This variant is not present in population databases (gnomAD no frequency). This variant has not been reported in the literature in individuals affected with SMPD1-related conditions. ClinVar contains an entry for this variant (Variation ID: 1067199). Advanced modeling of protein sequence and biophysical properties (such as structural, functional, and spatial information, amino acid conservation, physicochemical variation, residue mobility, and thermodynamic stability) performed at Invitae indicates that this missense variant is expected to disrupt SMPD1 protein function with a positive predictive value of 95%. This variant disrupts the p.Leu304 amino acid residue in SMPD1. Other variant(s) that disrupt this residue have been determined to be pathogenic (PMID: 1391960, 8401540, 10464620, 26499107). This suggests that this residue is clinically significant, and that variants that disrupt this residue are likely to be disease-causing. In summary, the currently available evidence indicates that the variant is pathogenic, but additional data are needed to prove that conclusively. Therefore, this variant has been classified as Likely Pathogenic.

Literature cited by the submitters: PubMed 1391960 (cited by Labcorp Genetics (formerly Invitae), Labcorp); PubMed 8401540 (cited by Labcorp Genetics (formerly Invitae), Labcorp); PubMed 10464620 (cited by Labcorp Genetics (formerly Invitae), Labcorp); PubMed 26499107 (cited by Labcorp Genetics (formerly Invitae), Labcorp).

NM_000543.5(SMPD1):c.910C>T (p.Leu304Phe)

Gene: SMPD1 (sphingomyelin phosphodiesterase 1; plus strand). Cytogenetic location: 11p15.4.
Variant type: single nucleotide variant.
Coding change: c.910C>T on transcript NM_000543.5 (MANE Select); coding-DNA position 910, C replaced by T.
Protein change: p.Leu304Phe; replaces leucine 304 with phenylalanine.
Molecular consequence: missense variant. On other transcripts: 5 prime UTR variant (1), non-coding transcript variant (1).
Genome position (GRCh38, 1-based): chr11:6,391,975, C>T. VCF-style: chr11-6391975-C-T. GRCh37 (hg19) VCF-style: chr11-6413205-C-T.
Other names: c.907C>T, p.Leu303Phe (NM_001007593.3); c.910C>T, p.Leu304Phe (NM_001318087.2, NM_001365135.2); c.-52C>T (NM_001318088.2); short protein forms L303F, L304F.
Identifiers: ClinVar variation 1067199 (VCV001067199.11), dbSNP rs2134012389, ClinGen allele CA379371261.